The following is an entry in ClinVar:

NM_001330078.2(NRXN1):c.714C>G (p.Asp238Glu)

Gene: NRXN1 (neurexin 1; minus strand). Cytogenetic location: 2p16.3.
Variant type: single nucleotide variant.
Coding change: c.714C>G on transcript NM_001330078.2 (MANE Select); coding-DNA position 714, C replaced by G.
Protein change: p.Asp238Glu; replaces aspartic acid 238 with glutamic acid.
Molecular consequence: missense variant.
Genome position (GRCh38, 1-based): chr2:51,027,560, G>C on the plus strand (C>G on the coding strand, the complement: NRXN1 is on the minus strand). VCF-style: chr2-51027560-G-C. GRCh37 (hg19) VCF-style: chr2-51254698-G-C.
Other names: c.714C>G, p.Asp238Glu (NM_001135659.3, NM_001330077.2, NM_001330079.2 and 15 more transcripts); short protein forms D238E.
Identifiers: ClinVar variation 3623310 (VCV003623310.2).

ClinVar aggregate classification (germline): Uncertain significance (1 of 4 stars; one submission).

Conditions:
Pitt-Hopkins-like syndrome 2 (PTHSL2). Identifiers: Orphanet 221150, Orphanet 600663, MedGen C3280479, MONDO:0013690, OMIM 614325.

Submission:

Labcorp Genetics (formerly Invitae), Labcorp
Classification: Uncertain significance for Pitt-Hopkins-like syndrome 2. Last evaluated: 2024-04-17. Review status: criteria provided, single submitter. Criteria: Invitae Variant Classification Sherloc (09022015). Collection method: clinical testing. Allele origin: germline.
Comment: This sequence change replaces aspartic acid, which is acidic and polar, with glutamic acid, which is acidic and polar, at codon 238 of the NRXN1 protein (p.Asp238Glu). This variant is not present in population databases (gnomAD no frequency). This variant has not been reported in the literature in individuals affected with NRXN1-related conditions. An algorithm developed to predict the effect of missense changes on protein structure and function (PolyPhen-2) suggests that this variant is likely to be tolerated. In summary, the available evidence is currently insufficient to determine the role of this variant in disease. Therefore, it has been classified as a Variant of Uncertain Significance.